The following continues an entry in ClinVar:

NM_000492.4(CFTR):c.3196C>T (p.Arg1066Cys)

ClinVar aggregate classification (germline): Pathogenic. Pathogenic (1).

Submissions 12 to 27 of 27:

Dasa
Classification: Pathogenic for Cystic fibrosis. Last evaluated: 2022-03-25. Review status: criteria provided, single submitter. Criteria: ACMG Guidelines, 2015. Collection method: clinical testing. Allele origin: germline. Affected: yes. Observed: 1 variant allele. Not counted in ClinVar's aggregate classification.
Comment: Well-established in vitro or in vivo functional studies supportive of a damaging effect on the gene or gene product (PMID: 9374552) - PS3. The c.3196C>T;p.(Arg1066Cys) missense change has been observed in affected individual(s) and ClinVar contains an entry for this variant (Clinvar ID 7162; PMID: 9375855; PMID: 25697318; PMID: 27022295) -PS4. The variant is present at low allele frequencies population databases (rs78194216 – gnomAD 0.0003189%; ABraOM no frequency.) - PM2_supporting. The p.(Arg1066Cys) was detected in trans with a pathogenic variant (PMID: 9375855) - PM3. Pathogenic missense variant in this residue have been reported (Clinvar ID 7158) - PM5. The variant co-segregated with disease in multiple affected family members (PMID: 9375855 - PP1. Multiple lines of computational evidence support a deleterious effect on the gene or gene product - PP3. In summary, the currently available evidence indicates that the variant is pathogenic

Institute for Clinical Genetics, University Hospital TU Dresden, University Hospital TU Dresden
Classification: Pathogenic. Last evaluated: 2021-11-03. Review status: criteria provided, single submitter. Criteria: ACMG Guidelines, 2015. Collection method: clinical testing. Allele origin: germline. Not counted in ClinVar's aggregate classification.

Mayo Clinic Laboratories, Mayo Clinic
Classification: Pathogenic. Last evaluated: 2020-12-11. Review status: criteria provided, single submitter. Criteria: ACMG Guidelines, 2015. Collection method: clinical testing. Allele origin: germline. Observed: 2 variant alleles. Not counted in ClinVar's aggregate classification.

Myriad Genetics, Inc.
Classification: Pathogenic for Cystic fibrosis. Last evaluated: 2019-11-12. Review status: criteria provided, single submitter. Criteria: Myriad Women's Health Autosomal Recessive and X-Linked Classification Criteria (2019). Collection method: clinical testing. Allele origin: unknown. Not counted in ClinVar's aggregate classification.
Comment: NM_000492.3(CFTR):c.3196C>T(R1066C) is classified as pathogenic in the context of cystic fibrosis and is associated with the classic form of this disease. Sources cited for classification include the following: PMID 23974870, 9375855 and 9374552. Classification of NM_000492.3(CFTR):c.3196C>T(R1066C) is based on the following criteria: This is a well-established pathogenic variant in the literature that has been observed more frequently in patients with clinical diagnoses than in healthy populations. Please note: this variant was assessed in the context of healthy population screening.

Johns Hopkins Genomics, Johns Hopkins University
Classification: Pathogenic for Cystic fibrosis. Last evaluated: 2019-10-14. Review status: criteria provided, single submitter. Criteria: ACMG Guidelines, 2015. Collection method: clinical testing. Allele origin: germline. Not counted in ClinVar's aggregate classification.
Comment: Disease-causing CFTR variant. See CFTR2 for phenotype information.

ARUP Laboratories, Molecular Genetics and Genomics, ARUP Laboratories
Classification: Pathogenic. Last evaluated: 2019-02-21. Review status: criteria provided, single submitter. Criteria: ARUP Molecular Germline Variant Investigation Process. Collection method: clinical testing. Allele origin: germline. Not counted in ClinVar's aggregate classification.
Comment: The CFTR c.3196C>T; p.Arg1066Cys variant (rs78194216) is reported to cause pancreatic insufficient (PI) cystic fibrosis (CF) in individuals homozygous for this variant or compound heterozygous with a second PI CF-causing variant on the opposite chromosome (CFTR2 database, Casals 1997, Liang 1998). Functional analysis shows that p.Arg1066Cys results in a nonfunctional CFTR protein (Sosnay 2013). This variant is reported as pathogenic in ClinVar (Variation ID: 7162). It is found in the general population with an overall allele frequency of 0.003% (8/250882 alleles) in the Genome Aggregation Database. The arginine at codon 1066 is highly conserved and computational analyses (SIFT, PolyPhen-2) predict that this variant is deleterious. Based on available information, this variant is considered to be pathogenic. REFERENCES CFTR2 database: Casals T et al. Missense mutation R1066C in the second transmembrane domain of CFTR causes a severe cystic fibrosis phenotype: study of 19 heterozygous and 2 homozygous patients. Hum Mutat. 1997;10(5):387-92. Liang MH et al. Cystic fibrosis in a Puerto Rican female homozygous for the R1066C mutation. J Med Genet. 1998 Jan;35(1):84-5. Sosnay PR et al. Defining the disease liability of variants in the cystic fibrosis transmembrane conductance regulator gene. Nat Genet. 2013 Oct;45(10):1160-7.

Mendelics
Classification: Pathogenic for Cystic fibrosis. Last evaluated: 2018-11-05. Review status: criteria provided, single submitter. Criteria: Mendelics Assertion Criteria 2017. Collection method: clinical testing. Allele origin: unknown. Affected: yes. Not counted in ClinVar's aggregate classification.

CFTR-France
Classification: Pathogenic for cystic fibrosis. Last evaluated: 2018-01-29. Review status: criteria provided, single submitter. Criteria: Claustres M et al. (Hum Mutat 2017). Collection method: curation. Allele origin: germline. Affected: yes. Not counted in ClinVar's aggregate classification.

Women's Health and Genetics/Laboratory Corporation of America, LabCorp
Classification: Pathogenic for Cystic fibrosis. Last evaluated: 2017-06-19. Review status: criteria provided, single submitter. Criteria: LabCorp Variant Classification Summary - May 2015. Collection method: clinical testing. Allele origin: germline. Not counted in ClinVar's aggregate classification.
Comment: Variant summary: The CFTR c.3196C>T (p.Arg1066Cys) missense variant located in the ABC transporter type 1, transmembrane domain (via InterPro) involves the alteration of a conserved nucleotide and is predicted to be damaging by 4/4 in silico tools.This variant was found in 9/223414 control chromosomes at a frequency of 0.0000403, which does not exceed the estimated maximal expected allele frequency of a pathogenic CFTR variant (0.0129603). In literature, this variant is recurrently reported in CF patients, primarily in compound heterozygous state with p.Phe508del and is regarded as a severe mutation with consistent clinical and functional outcome (Fanen_1992, Fanen_1997, Sosnay_2013, Van Goor_2013, Dupuis_2015). In a large study that included CF patients from Europe and North America, the allele frequency of this variant was 0.15% (122/79,392 CF chromosomes) (Sosnay_2013). It leads to defective CFTR processing and the drug, ivacaftor, was unable to increase chloride channel function in an in vitro assay (Van Goor_2013), implicating therapeutic importance in patients carrying this variant. Other missense changes at the same residue, namely R1066H, R1066S, and R1066L, have been reported in association with CF indicating that R1066 residue is a mutational hot-spot. Multiple clinical diagnostic laboratories/reputable databases have classified this variant as pathogenic. Taken together, this variant is classified as pathogenic.

Eurofins Ntd Llc (ga)
Classification: Pathogenic. Last evaluated: 2017-06-12. Review status: criteria provided, single submitter. Criteria: EGL Classification Definitions 2015. Collection method: clinical testing. Allele origin: germline. Observed: 2 variant alleles, 2 heterozygotes. Not counted in ClinVar's aggregate classification.

Baylor Genetics
Classification: Pathogenic for Congenital bilateral aplasia of vas deferens from CFTR mutation; Cystic fibrosis. Review status: criteria provided, single submitter. Criteria: ACMG Guidelines, 2015. Collection method: clinical testing. Allele origin: germline. Not counted in ClinVar's aggregate classification.

Neuberg Centre For Genomic Medicine, NCGM
Classification: Pathogenic for Cystic fibrosis. Review status: criteria provided, single submitter. Criteria: ACMG Guidelines, 2015. Collection method: clinical testing. Allele origin: germline. Inheritance: Autosomal recessive inheritance. Affected: yes. Not counted in ClinVar's aggregate classification.
Comment: The c.3196C>T (p.Arg1066Cys) in the CFTR gene has been reported in homozygous state in individuals affected with cystic fibrosis (Alonso MJ. et al., 2007). Experimental studies have shown that this missense change severely disrupts CFTR protein processing and biosynthesis in vitro (Van Goor F. et al., 2014). This variant is reported with the allele frequency (0.003%) in the gnomad and novel in 1000 genome database. It has been submitted to ClinVar as a Pathogenic variant. The amino acid Arginine at position 1066 is changed to a Cysteine changing protein sequence and it might alter its composition and physico-chemical properties. The variant is predicted to be damaging by both SIFT and PolyPhen2. The residue is conserved across species. For these reasons, this variant has been classified as Pathogenic.

OMIM
Classification: Pathogenic for CYSTIC FIBROSIS. Last evaluated: 1992-06-01. Review status: no assertion criteria provided. Collection method: literature only. Allele origin: germline. Not counted in ClinVar's aggregate classification.

Clinical Genetics DNA and cytogenetics Diagnostics Lab, Erasmus MC, Erasmus Medical Center
Classification: Pathogenic. Review status: no assertion criteria provided. Collection method: clinical testing. Allele origin: germline. Affected: yes. Study: VKGL Data-share Consensus. Not counted in ClinVar's aggregate classification.

Diagnostic Laboratory, Department of Genetics, University Medical Center Groningen
Classification: Pathogenic. Review status: no assertion criteria provided. Collection method: clinical testing. Allele origin: germline. Affected: yes. Study: VKGL Data-share Consensus. Not counted in ClinVar's aggregate classification.

Joint Genome Diagnostic Labs from Nijmegen and Maastricht, Radboudumc and MUMC+
Classification: Pathogenic. Review status: no assertion criteria provided. Collection method: clinical testing. Allele origin: germline. Affected: yes. Study: VKGL Data-share Consensus. Not counted in ClinVar's aggregate classification.

Literature cited by the submitters: PubMed 10923036 (cited by Labcorp Genetics (formerly Invitae), Labcorp); PubMed 11883825 (cited by Labcorp Genetics (formerly Invitae), Labcorp); PubMed 15084222 (cited by Labcorp Genetics (formerly Invitae), Labcorp); PubMed 17331079 (cited by Labcorp Genetics (formerly Invitae), Labcorp); PubMed 21520337 (cited by Labcorp Genetics (formerly Invitae), Labcorp and Quest Diagnostics Nichols Institute San Juan Capistrano); PubMed 23302613 (cited by Labcorp Genetics (formerly Invitae), Labcorp); PubMed 23974870 (cited by 5 submitters); PubMed 8662892 (cited by Labcorp Genetics (formerly Invitae), Labcorp); PubMed 8702904 (cited by Labcorp Genetics (formerly Invitae), Labcorp and Quest Diagnostics Nichols Institute San Juan Capistrano); PubMed 9374552 (cited by 5 submitters); PubMed 15480987 (cited by Labcorp Genetics (formerly Invitae), Labcorp and Quest Diagnostics Nichols Institute San Juan Capistrano); PubMed 23891399 (cited by 3 submitters); PubMed 26826884 (cited by Natera, Inc.); PubMed 9375855 (cited by 5 submitters); PubMed 32539862 (cited by Quest Diagnostics Nichols Institute San Juan Capistrano); PubMed 9475107 (cited by Quest Diagnostics Nichols Institute San Juan Capistrano); PubMed 15502086 (cited by Quest Diagnostics Nichols Institute San Juan Capistrano); PubMed 1379210 (cited by Quest Diagnostics Nichols Institute San Juan Capistrano and Women's Health and Genetics/Laboratory Corporation of America, LabCorp); PubMed 22975760 (cited by Quest Diagnostics Nichols Institute San Juan Capistrano); PubMed 22658665 (cited by Quest Diagnostics Nichols Institute San Juan Capistrano); PubMed 25697318 (cited by Dasa); PubMed 27022295 (cited by Dasa); PubMed 1284639 (cited by OMIM).